The following is an entry in ClinVar:

NM_005359.6(SMAD4):c.50_51del (p.Leu17fs)

Gene: SMAD4 (SMAD family member 4; plus strand). Cytogenetic location: 18q21.2.
Variant type: Deletion.
Coding change: c.50_51del on transcript NM_005359.6 (MANE Select); coding-DNA positions 50 to 51, 2 bases deleted (TG; older notation c.50_51delTG).
Protein change: p.Leu17fs; shifts the reading frame from leucine 17.
Molecular consequence: frameshift variant. On other transcripts: non-coding transcript variant (2).
Genome position (GRCh38, 1-based): chr18:51,047,096-51,047,097, TG deleted. VCF-style (leftmost placement, unchanged base first): chr18-51047095-CTG-C. GRCh37 (hg19) VCF-style: chr18-48573465-CTG-C.
Other names: c.50_51del, p.Leu17fs (NM_001407041.1, NM_001407042.1, NM_001407043.1); short protein forms L17fs.
Identifiers: ClinVar variation 2572319 (VCV002572319.1), dbSNP rs2511367483, ClinGen allele CA2580612575.

ClinVar aggregate classification (germline): Likely pathogenic (1 of 4 stars; one submission).

Conditions:
Myhre syndrome (MYHRS). Also called: LARYNGOTRACHEAL STENOSIS, ARTHROPATHY, PROGNATHISM, AND SHORT STATURE; LAPS SYNDROME. Identifiers: Orphanet 2588, MedGen C0796081, MONDO:0007688, OMIM 139210.

Submission:

Greenwood Genetic Center Diagnostic Laboratories, Greenwood Genetic Center
Classification: Likely pathogenic for Myhre syndrome. Last evaluated: 2023-04-03. Review status: criteria provided, single submitter. Criteria: ACMG Guidelines, 2015. Collection method: clinical testing. Allele origin: germline.
Comment: PVS1, PM2